The following is an entry in ClinVar:

NM_002181.4(IHH):c.1139G>A (p.Gly380Asp)

Gene: IHH (Indian hedgehog signaling molecule; minus strand). Cytogenetic location: 2q35.
Variant type: single nucleotide variant.
Coding change: c.1139G>A on transcript NM_002181.4 (MANE Select); coding-DNA position 1139, G replaced by A.
Protein change: p.Gly380Asp; replaces glycine 380 with aspartic acid.
Molecular consequence: missense variant.
Genome position (GRCh38, 1-based): chr2:219,055,304, C>T on the plus strand (G>A on the coding strand, the complement: IHH is on the minus strand). VCF-style: chr2-219055304-C-T. GRCh37 (hg19) VCF-style: chr2-219920026-C-T.
Other names: c.1139G>A (NM_002181.3); short protein forms G380D.
Identifiers: ClinVar variation 2182010 (VCV002182010.5), dbSNP rs772724697, ClinGen allele CA2116523.

ClinVar aggregate classification (germline): Uncertain significance. Review status: criteria provided, multiple submitters, no conflicts (2 of 4 stars). 2 submissions from 2 submitters: Uncertain significance (2). Last evaluated 2025-01-20.

Conditions:
Inborn genetic diseases. Identifiers: MedGen C0950123, MeSH D030342.

Allele frequency attached by ClinVar (database versions not stated): gnomAD 0.00003; TOPMed 0.00003; ExAC 0.00004.
gnomAD v4.1: 68 of 1,612,684 alleles (0.0042%); highest among the groups gnomAD compares: Admixed American, 0.0067%; no homozygotes.

Submissions (2):

Labcorp Genetics (formerly Invitae), Labcorp
Classification: Uncertain significance. Last evaluated: 2025-01-20. Review status: criteria provided, single submitter. Criteria: Invitae Variant Classification Sherloc (09022015). Collection method: clinical testing. Allele origin: germline.
Comment: This sequence change replaces glycine, which is neutral and non-polar, with aspartic acid, which is acidic and polar, at codon 380 of the IHH protein (p.Gly380Asp). This variant is present in population databases (rs772724697, gnomAD 0.01%). This variant has not been reported in the literature in individuals affected with IHH-related conditions. ClinVar contains an entry for this variant (Variation ID: 2182010). Invitae Evidence Modeling of protein sequence and biophysical properties (such as structural, functional, and spatial information, amino acid conservation, physicochemical variation, residue mobility, and thermodynamic stability) indicates that this missense variant is expected to disrupt IHH protein function with a positive predictive value of 80%. In summary, the available evidence is currently insufficient to determine the role of this variant in disease. Therefore, it has been classified as a Variant of Uncertain Significance.

Ambry Genetics
Classification: Uncertain significance for Inborn genetic diseases. Last evaluated: 2024-12-30. Review status: criteria provided, single submitter. Criteria: Ambry Variant Classification Scheme 2023. Collection method: clinical testing. Allele origin: germline.